The following is an entry in ClinVar:

NM_006785.4(MALT1):c.1753+4C>T

Gene: MALT1 (MALT1 paracaspase; plus strand). Cytogenetic location: 18q21.32.
Variant type: single nucleotide variant.
Coding change: c.1753+4C>T on transcript NM_006785.4 (MANE Select); 4 bases into the intron after coding-DNA position 1753, C replaced by T.
Molecular consequence: intron variant.
Genome position (GRCh38, 1-based): chr18:58,742,018, C>T. VCF-style: chr18-58742018-C-T. GRCh37 (hg19) VCF-style: chr18-56409250-C-T.
Other names: c.1720+4C>T (NM_173844.3).
Identifiers: ClinVar variation 1059962 (VCV001059962.7), dbSNP rs376666120, ClinGen allele CA8977968.

ClinVar aggregate classification (germline): Uncertain significance (1 of 4 stars; one submission).

Conditions:
Combined immunodeficiency due to MALT1 deficiency. Also called: Immunodeficiency 12. Identifiers: Orphanet 397964, MedGen C3809583, MONDO:0014197, OMIM 615468.

Allele frequency attached by ClinVar (database versions not stated): gnomAD exomes 0.00007 and 0.00008; ExAC 0.00012; gnomAD 0.00013; TOPMed 0.00019; ESP Exome Variant Server 0.00038; 1000 Genomes Project 30x 0.00078; 1000 Genomes Project 0.00080.
gnomAD v4.1: 130 of 1,482,704 alleles (0.0088%); highest among the groups gnomAD compares: African/African-American, 0.048%; no homozygotes.

Submission:

Labcorp Genetics (formerly Invitae), Labcorp
Classification: Uncertain significance for Combined immunodeficiency due to MALT1 deficiency. Last evaluated: 2023-08-17. Review status: criteria provided, single submitter. Criteria: Invitae Variant Classification Sherloc (09022015). Collection method: clinical testing. Allele origin: germline.
Comment: This variant is present in population databases (rs376666120, gnomAD 0.06%). In summary, the available evidence is currently insufficient to determine the role of this variant in disease. Therefore, it has been classified as a Variant of Uncertain Significance. Variants that disrupt the consensus splice site are a relatively common cause of aberrant splicing (PMID: 17576681, 9536098). Algorithms developed to predict the effect of sequence changes on RNA splicing suggest that this variant is not likely to affect RNA splicing. ClinVar contains an entry for this variant (Variation ID: 1059962). This variant has not been reported in the literature in individuals affected with MALT1-related conditions. This sequence change falls in intron 14 of the MALT1 gene. It does not directly change the encoded amino acid sequence of the MALT1 protein. It affects a nucleotide within the consensus splice site.

Literature cited by the submitters: PubMed 17576681; PubMed 9536098.